The following is an entry in ClinVar:

NM_000257.4(MYH7):c.1139-4C>G

Gene: MYH7 (myosin heavy chain 7; minus strand). Cytogenetic location: 14q11.2.
Variant type: single nucleotide variant.
Coding change: c.1139-4C>G on transcript NM_000257.4 (MANE Select); 4 bases into the intron before coding-DNA position 1139, C replaced by G.
Molecular consequence: intron variant.
Genome position (GRCh38, 1-based): chr14:23,429,351, G>C on the plus strand (C>G on the coding strand, the complement: MYH7 is on the minus strand). VCF-style: chr14-23429351-G-C. GRCh37 (hg19) VCF-style: chr14-23898560-G-C.
Identifiers: ClinVar variation 793750 (VCV000793750.10), dbSNP rs886050422, ClinGen allele CA915948848.

ClinVar aggregate classification (germline): Likely benign. Review status: criteria provided, multiple submitters, no conflicts (2 of 4 stars). 3 submissions from 3 submitters: Likely benign (3). Last evaluated 2024-12-19.

Conditions:
Hypertrophic cardiomyopathy. Also called: HYPERTROPHIC MYOCARDIOPATHY. Identifiers: Orphanet 217569, MedGen C0007194, MeSH D002312, MONDO:0005045, HP:0001639.
Cardiomyopathy (CMYO). Also called: Cardiomyopathies. Identifiers: Orphanet 167848, MedGen C0878544, MONDO:0004994, HP:0001638. Inheritance: Various modes of inheritance.

Submissions (3):

Labcorp Genetics (formerly Invitae), Labcorp
Classification: Likely benign for Hypertrophic cardiomyopathy. Last evaluated: 2024-12-19. Review status: criteria provided, single submitter. Criteria: Invitae Variant Classification Sherloc (09022015). Collection method: clinical testing. Allele origin: germline.

All of Us Research Program, National Institutes of Health
Classification: Likely benign for Cardiomyopathy. Last evaluated: 2024-03-24. Review status: criteria provided, single submitter. Criteria: ACMG Guidelines, 2015. Collection method: clinical testing. Allele origin: germline. Inheritance: Autosomal dominant inheritance. Observed: 1 variant allele, 1 heterozygote.
Comment: This study involves interpretation of variants in research participants for the purpose of population health screening. Participant phenotype was not available at the time of variant classification. Additional details can be found in publication PMID: 35346344, PMCID: PMC8962531

Color Diagnostics, LLC DBA Color Health
Classification: Likely benign for Cardiomyopathy. Last evaluated: 2024-03-03. Review status: criteria provided, single submitter. Criteria: ACMG Guidelines, 2015. Collection method: clinical testing. Allele origin: germline.